The following is an entry in ClinVar:

NM_199420.4(POLQ):c.5842C>T (p.Leu1948Phe)

Gene: POLQ (DNA polymerase theta; minus strand). Cytogenetic location: 3q13.33.
Variant type: single nucleotide variant.
Coding change: c.5842C>T on transcript NM_199420.4 (MANE Select); coding-DNA position 5842, C replaced by T.
Protein change: p.Leu1948Phe; replaces leucine 1948 with phenylalanine.
Molecular consequence: missense variant.
Genome position (GRCh38, 1-based): chr3:121,483,514, G>A on the plus strand (C>T on the coding strand, the complement: POLQ is on the minus strand). VCF-style: chr3-121483514-G-A. GRCh37 (hg19) VCF-style: chr3-121202361-G-A.
Other names: short protein forms L1948F.
Identifiers: ClinVar variation 1750024 (VCV001750024.2), dbSNP rs2546781765, ClinGen allele CA354088673.

ClinVar aggregate classification (germline): Uncertain significance (1 of 4 stars; one submission).

Submission:

Ambry Genetics
Classification: Uncertain significance. Last evaluated: 2021-12-05. Review status: criteria provided, single submitter. Criteria: Ambry Variant Classification Scheme 2023. Collection method: clinical testing. Allele origin: germline.
Comment: The p.L1948F variant (also known as c.5842C>T), located in coding exon 18 of the POLQ gene, results from a C to T substitution at nucleotide position 5842. The leucine at codon 1948 is replaced by phenylalanine, an amino acid with highly similar properties. This amino acid position is conserved. In addition, this alteration is predicted to be tolerated by in silico analysis. Since supporting evidence is limited at this time, the clinical significance of this alteration remains unclear.